The following is an entry in ClinVar:

ClinVar aggregate classification (germline): Uncertain significance (1 of 4 stars; one submission).

Conditions:
Epidermodysplasia verruciformis. Identifiers: Orphanet 302, MedGen C0014522, MONDO:0009176.

Allele frequency attached by ClinVar (database versions not stated): gnomAD exomes 0.00001; gnomAD 0.00003; TOPMed 0.00003.
gnomAD v4.1: 13 of 1,599,990 alleles (0.00081%); highest among the groups gnomAD compares: East Asian, 0.0045%; no homozygotes.

Submission:

Labcorp Genetics (formerly Invitae), Labcorp
Classification: Uncertain significance for Epidermodysplasia verruciformis. Last evaluated: 2025-04-24. Review status: criteria provided, single submitter. Criteria: Invitae Variant Classification Sherloc (09022015). Collection method: clinical testing. Allele origin: germline.
Comment: This sequence change replaces serine, which is neutral and polar, with leucine, which is neutral and non-polar, at codon 610 of the TMC6 protein (p.Ser610Leu). The frequency data for this variant in the population databases is considered unreliable, as metrics indicate poor data quality at this position in the gnomAD database. This variant has not been reported in the literature in individuals affected with TMC6-related conditions. ClinVar contains an entry for this variant (Variation ID: 1003842). An algorithm developed to predict the effect of missense changes on protein structure and function (PolyPhen-2) suggests that this variant is likely to be disruptive. In summary, the available evidence is currently insufficient to determine the role of this variant in disease. Therefore, it has been classified as a Variant of Uncertain Significance.

NM_001127198.5(TMC6):c.1829C>T (p.Ser610Leu)

Gene: TMC6 (transmembrane channel like 6; minus strand). Cytogenetic location: 17q25.3.
Variant type: single nucleotide variant.
Coding change: c.1829C>T on transcript NM_001127198.5 (MANE Select); coding-DNA position 1829, C replaced by T.
Protein change: p.Ser610Leu; replaces serine 610 with leucine.
Molecular consequence: missense variant.
Genome position (GRCh38, 1-based): chr17:78,119,029, G>A on the plus strand (C>T on the coding strand, the complement: TMC6 is on the minus strand). VCF-style: chr17-78119029-G-A. GRCh37 (hg19) VCF-style: chr17-76115110-G-A.
Other names: c.1829C>T, p.Ser610Leu (NM_001321185.1, NM_001374596.1, NM_001375353.1 and 2 more transcripts); c.1649C>T, p.Ser550Leu (NM_001374593.1, NM_001374594.1); short protein forms S550L, S610L.
Identifiers: ClinVar variation 1003842 (VCV001003842.7), dbSNP rs1334699503, ClinGen allele CA401226346.
Genomic context (GRCh38, chr17:78,119,029, plus strand): 5'-ACCTTCTTGACATAGAAGACGAGCAGCAGCTTGATGATCTGCACGGCGGGGAGGAGGGGC[G>A]AGAAGAGCACCCCCAGCCTGGGGAGGGGGTGGCAGTTCAGGGGCTGCTCCAGTGCCCTCC-3'
Protein context (NP_001120670.1, residues 600-620): QTLTWLGVLF[Ser610Leu]PLLPAVQIIK